The following is an entry in ClinVar:

NM_001372.4(DNAH9):c.8106dup (p.Leu2703fs)

Gene: DNAH9 (dynein axonemal heavy chain 9; plus strand). Cytogenetic location: 17p12.
Variant type: Duplication.
Coding change: c.8106dup on transcript NM_001372.4 (MANE Select); coding-DNA position 8106, one base duplicated (T; older notation c.8106dupT).
Protein change: p.Leu2703fs; shifts the reading frame from leucine 2703.
Molecular consequence: frameshift variant.
Genome position (GRCh38, 1-based): chr17:11,793,547, T duplicated. VCF-style (leftmost placement, unchanged base first): chr17-11793546-A-AT. GRCh37 (hg19) VCF-style: chr17-11696863-A-AT.
Other names: short protein forms L2703fs.
Identifiers: ClinVar variation 2909392 (VCV002909392.3), dbSNP rs2544657206, ClinGen allele CA2576175567.

ClinVar aggregate classification (germline): Pathogenic (1 of 4 stars; one submission).

Submission:

Labcorp Genetics (formerly Invitae), Labcorp
Classification: Pathogenic. Last evaluated: 2023-11-07. Review status: criteria provided, single submitter. Criteria: Invitae Variant Classification Sherloc (09022015). Collection method: clinical testing. Allele origin: germline.
Comment: This sequence change creates a premature translational stop signal (p.Leu2703Serfs*8) in the DNAH9 gene. It is expected to result in an absent or disrupted protein product. Loss-of-function variants in DNAH9 are known to be pathogenic (PMID: 30471718). This variant is not present in population databases (gnomAD no frequency). This variant has not been reported in the literature in individuals affected with DNAH9-related conditions. For these reasons, this variant has been classified as Pathogenic.

Literature cited by the submitters: PubMed 30471718.